The following is an entry in ClinVar:

NM_000540.3(RYR1):c.10539A>G (p.Thr3513=)

Gene: RYR1 (ryanodine receptor 1; plus strand). Cytogenetic location: 19q13.2.
Variant type: single nucleotide variant.
Coding change: c.10539A>G on transcript NM_000540.3 (MANE Select); coding-DNA position 10539, A replaced by G.
Protein change: p.Thr3513=; no amino-acid change (threonine 3513 retained).
Molecular consequence: synonymous variant.
Genome position (GRCh38, 1-based): chr19:38,525,415, A>G. VCF-style: chr19-38525415-A-G. GRCh37 (hg19) VCF-style: chr19-39016055-A-G.
Other names: c.10524A>G, p.Thr3508= (NM_001042723.2).
Identifiers: ClinVar variation 799946 (VCV000799946.11), dbSNP rs1600921744, ClinGen allele CA507236456.

ClinVar aggregate classification (germline): Likely benign. Review status: criteria provided, multiple submitters, no conflicts (2 of 4 stars). 3 submissions from 3 submitters: Likely benign (3). Last evaluated 2023-09-17.

Conditions:
Malignant hyperthermia, susceptibility to, 1 (MHS1). Also called: RYR1-Related Malignant Hyperthermia Susceptibility; Malignant hyperthermia suceptibility 1; Anesthesia related hyperthermia; Malignant hyperpyrexia; Fulminating hyperpyrexia; Pharmacogenic myopathy. Identifiers: Orphanet 423, MedGen C2930980, MONDO:0007783, OMIM 145600.
RYR1-related disorder. Also called: RYR1-related condition; RYR1-related disorders. Identifiers: MedGen CN239331.

Submissions (3):

All of Us Research Program, National Institutes of Health
Classification: Likely benign for Malignant hyperthermia, susceptibility to, 1. Last evaluated: 2023-09-17. Review status: criteria provided, single submitter. Criteria: ACMG Guidelines, 2015. Collection method: clinical testing. Allele origin: germline. Inheritance: Autosomal dominant inheritance. Observed: 1 variant allele, 1 heterozygote.
Comment: This study involves interpretation of variants in research participants for the purpose of population health screening. Participant phenotype was not available at the time of variant classification. Additional details can be found in publication PMID: 35346344, PMCID: PMC8962531

Labcorp Genetics (formerly Invitae), Labcorp
Classification: Likely benign for RYR1-related disorder. Last evaluated: 2023-06-14. Review status: criteria provided, single submitter. Criteria: Invitae Variant Classification Sherloc (09022015). Collection method: clinical testing. Allele origin: germline.

Color Diagnostics, LLC DBA Color Health
Classification: Likely benign for Malignant hyperthermia, susceptibility to, 1. Last evaluated: 2022-11-06. Review status: criteria provided, single submitter. Criteria: ACMG Guidelines, 2015. Collection method: clinical testing. Allele origin: germline.